The following is an entry in ClinVar:

ClinVar aggregate classification (germline): Pathogenic (1 of 4 stars; one submission).

Conditions:
Wilson disease (WND). Also called: Wilson's disease. Identifiers: Orphanet 905, MedGen C0019202, MONDO:0010200, OMIM 277900. Disease mechanism: loss of function.

Submission:

Labcorp Genetics (formerly Invitae), Labcorp
Classification: Pathogenic for Wilson disease. Last evaluated: 2023-03-02. Review status: criteria provided, single submitter. Criteria: Invitae Variant Classification Sherloc (09022015). Collection method: clinical testing. Allele origin: unknown.
Comment: This variant results in the deletion of part of exon 14 (c.3061-549_3081del) of the ATP7B gene. It is expected to disrupt RNA splicing. Variants that disrupt the donor or acceptor splice site typically lead to a loss of protein function (PMID: 16199547), and loss-of-function variants in ATP7B are known to be pathogenic (PMID: 10441329, 16283883). This variant has not been reported in the literature in individuals affected with ATP7B-related conditions. This variant disrupts a region of the ATP7B protein in which other variant(s) (Asp1027His) have been determined to be pathogenic (PMID: 29321352; Invitae; http//). This suggests that this is a clinically significant region of the protein, and that variants that disrupt it are likely to be disease-causing. For these reasons, this variant has been classified as Pathogenic.

Literature cited by the submitters: PubMed 16199547; PubMed 10441329; PubMed 16283883; PubMed 29321352.

NC_000013.10:g.(?_52518407)_(52518976_?)del

Gene: ATP7B (ATPase copper transporting beta; minus strand). Cytogenetic location: 13q14.3.
Variant type: Deletion.
Identifiers: ClinVar variation 3244107 (VCV003244107.1).